The following is an entry in ClinVar:

NM_020806.5(GPHN):c.2195G>A (p.Arg732His)

Gene: GPHN (gephyrin; plus strand). Cytogenetic location: 14q23.3.
Variant type: single nucleotide variant.
Coding change: c.2195G>A on transcript NM_020806.5 (MANE Select); coding-DNA position 2195, G replaced by A.
Protein change: p.Arg732His; replaces arginine 732 with histidine.
Molecular consequence: missense variant.
Genome position (GRCh38, 1-based): chr14:67,180,822, G>A. VCF-style: chr14-67180822-G-A. GRCh37 (hg19) VCF-style: chr14-67647539-G-A.
Other names: c.2096G>A, p.Arg699His (NM_001024218.2); c.2255G>A, p.Arg752His (NM_001377514.1); c.2225G>A, p.Arg742His (NM_001377515.1); c.2216G>A, p.Arg739His (NM_001377516.1); c.2168G>A, p.Arg723His (NM_001377517.1); c.2153G>A, p.Arg718His (NM_001377518.1); c.2135G>A, p.Arg712His (NM_001377519.1); c.2195G>A (NM_020806.4); short protein forms R699H, R718H, R739H, R752H, R712H, R732H, R723H, R742H.
Identifiers: ClinVar variation 2175728 (VCV002175728.5), dbSNP rs756728918, ClinGen allele CA7234312.

ClinVar aggregate classification (germline): Uncertain significance. Review status: criteria provided, multiple submitters, no conflicts (2 of 4 stars). 2 submissions from 2 submitters: Uncertain significance (2). Last evaluated 2025-11-24.

Conditions:
Inborn genetic diseases. Identifiers: MedGen C0950123, MeSH D030342.
Sulfite oxidase deficiency due to molybdenum cofactor deficiency type C. Also called: Molybdenum cofactor deficiency, complementation group C; Molybdenum cofactor deficiency C. Identifiers: Orphanet 308400, Orphanet 833, MedGen C1854990, MONDO:0014212, OMIM 615501.

Allele frequency attached by ClinVar (database versions not stated): TOPMed below 0.00001; ExAC 0.00001; gnomAD exomes below 0.00001.
gnomAD v4.1: 6 of 1,613,712 alleles (0.00037%); highest among the groups gnomAD compares: South Asian, 0.0022%; no homozygotes.

Submissions (2):

Ambry Genetics
Classification: Uncertain significance for Inborn genetic diseases. Last evaluated: 2025-11-24. Review status: criteria provided, single submitter. Criteria: Ambry Variant Classification Scheme 2023. Collection method: clinical testing. Allele origin: germline.

Labcorp Genetics (formerly Invitae), Labcorp
Classification: Uncertain significance for Sulfite oxidase deficiency due to molybdenum cofactor deficiency type C. Last evaluated: 2025-02-28. Review status: criteria provided, single submitter. Criteria: Invitae Variant Classification Sherloc (09022015). Collection method: clinical testing. Allele origin: germline.
Comment: This sequence change replaces arginine, which is basic and polar, with histidine, which is basic and polar, at codon 732 of the GPHN protein (p.Arg732His). This variant is present in population databases (rs756728918, gnomAD 0.007%). This variant has not been reported in the literature in individuals affected with GPHN-related conditions. ClinVar contains an entry for this variant (Variation ID: 2175728). Invitae Evidence Modeling of protein sequence and biophysical properties (such as structural, functional, and spatial information, amino acid conservation, physicochemical variation, residue mobility, and thermodynamic stability) indicates that this missense variant is expected to disrupt GPHN protein function with a positive predictive value of 80%. In summary, the available evidence is currently insufficient to determine the role of this variant in disease. Therefore, it has been classified as a Variant of Uncertain Significance.